The following is an entry in ClinVar:

ClinVar aggregate classification (germline): Benign (1 of 4 stars; one submission).

Allele frequency attached by ClinVar (database versions not stated): 1000 Genomes Project 0.49740; 1000 Genomes Project 30x 0.50219; TOPMed 0.56282; gnomAD 0.56630 and 0.56960.
gnomAD v4.1: 86,166 of 151,838 alleles (57%); highest among the groups gnomAD compares: Non-Finnish European, 65%; 25,308 homozygotes.

Submission:

GeneDx
Classification: Benign. Last evaluated: 2018-06-14. Review status: criteria provided, single submitter. Criteria: GeneDx Variant Classification (06012015). Collection method: clinical testing. Allele origin: germline. Affected: yes.
Comment: This variant is considered likely benign or benign based on one or more of the following criteria: it is a conservative change, it occurs at a poorly conserved position in the protein, it is predicted to be benign by multiple in silico algorithms, and/or has population frequency not consistent with disease.

NM_006073.4(TRDN):c.484+921T>C

Gene: TRDN (triadin; minus strand). Cytogenetic location: 6q22.31.
Variant type: single nucleotide variant.
Coding change: c.484+921T>C on transcript NM_006073.4 (MANE Select); 921 bases into the intron after coding-DNA position 484, T replaced by C.
Molecular consequence: intron variant.
Genome position (GRCh38, 1-based): chr6:123,529,585, A>G on the plus strand (T>C on the coding strand, the complement: TRDN is on the minus strand). VCF-style: chr6-123529585-A-G. GRCh37 (hg19) VCF-style: chr6-123850730-A-G.
Other names: c.484+921T>C (NM_001251987.2, NM_001256020.2, NM_001256021.2); c.485-292T>C (NM_001256022.2).
Identifiers: ClinVar variation 680812 (VCV000680812.1), dbSNP rs9490796, ClinGen allele CA12304615.